The following is an entry in ClinVar:

ClinVar aggregate classification (germline): Uncertain significance (1 of 4 stars; one submission).

Conditions:
Actin accumulation myopathy (CMYO2A). Also called: Myopathy, actin, congenital, with cores; Nemaline myopathy 3, with intranuclear rods; CONGENITAL MYOPATHY 2A, TYPICAL, AUTOSOMAL DOMINANT; Nemaline myopathy type 3; Myopathy, actin, congenital, with excess of thin myofilaments. Identifiers: Orphanet 98904, MedGen C3711389, MONDO:0008070, OMIM 161800.

Submission:

Labcorp Genetics (formerly Invitae), Labcorp
Classification: Uncertain significance for Actin accumulation myopathy. Last evaluated: 2025-02-28. Review status: criteria provided, single submitter. Criteria: Invitae Variant Classification Sherloc (09022015). Collection method: clinical testing. Allele origin: germline.
Comment: This sequence change replaces methionine, which is neutral and non-polar, with threonine, which is neutral and polar, at codon 49 of the ACTA1 protein (p.Met49Thr). This variant is not present in population databases (gnomAD no frequency). This variant has not been reported in the literature in individuals affected with ACTA1-related conditions. Invitae Evidence Modeling of protein sequence and biophysical properties (such as structural, functional, and spatial information, amino acid conservation, physicochemical variation, residue mobility, and thermodynamic stability) indicates that this missense variant is not expected to disrupt ACTA1 protein function with a negative predictive value of 80%. This variant disrupts the p.Met49 amino acid residue in ACTA1. Other variant(s) that disrupt this residue have been determined to be pathogenic (PMID: 19562689, 20303757). This suggests that this residue is clinically significant, and that variants that disrupt this residue are likely to be disease-causing. In summary, the available evidence is currently insufficient to determine the role of this variant in disease. Therefore, it has been classified as a Variant of Uncertain Significance.

Literature cited by the submitters: PubMed 19562689; PubMed 20303757.

NM_001100.4(ACTA1):c.146T>C (p.Met49Thr)

Gene: ACTA1 (actin alpha 1, skeletal muscle; minus strand). Cytogenetic location: 1q42.13.
Variant type: single nucleotide variant.
Coding change: c.146T>C on transcript NM_001100.4 (MANE Select); coding-DNA position 146, T replaced by C.
Protein change: p.Met49Thr; replaces methionine 49 with threonine.
Molecular consequence: missense variant.
Genome position (GRCh38, 1-based): chr1:229,432,864, A>G on the plus strand (T>C on the coding strand, the complement: ACTA1 is on the minus strand). VCF-style: chr1-229432864-A-G. GRCh37 (hg19) VCF-style: chr1-229568611-A-G.
Other names: short protein forms M49T.
Identifiers: ClinVar variation 4740740 (VCV004740740.1).